The following is an entry in ClinVar:

ClinVar aggregate classification (germline): Uncertain significance (1 of 4 stars; one submission).

Submission:

Ambry Genetics
Classification: Uncertain significance. Last evaluated: 2025-11-15. Review status: criteria provided, single submitter. Criteria: Ambry Variant Classification Scheme 2023. Collection method: clinical testing. Allele origin: germline.
Comment: The p.S240F variant (also known as c.719C>T), located in coding exon 6 of the RAD51B gene, results from a C to T substitution at nucleotide position 719. The serine at codon 240 is replaced by phenylalanine, an amino acid with highly dissimilar properties. This amino acid position is conserved. In addition, this alteration is predicted to be tolerated by in silico analysis. Based on the available evidence, the clinical significance of this variant remains unclear.

NM_133510.4(RAD51B):c.719C>T (p.Ser240Phe)

Gene: RAD51B (RAD51 paralog B; plus strand). Cytogenetic location: 14q24.1.
Variant type: single nucleotide variant.
Coding change: c.719C>T on transcript NM_133510.4 (MANE Select); coding-DNA position 719, C replaced by T.
Protein change: p.Ser240Phe; replaces serine 240 with phenylalanine.
Molecular consequence: missense variant.
Genome position (GRCh38, 1-based): chr14:67,887,167, C>T. VCF-style: chr14-67887167-C-T. GRCh37 (hg19) VCF-style: chr14-68353884-C-T.
Other names: c.719C>T, p.Ser240Phe (NM_001321809.2, NM_001321810.2, NM_001321812.1 and 6 more transcripts); c.605C>T, p.Ser202Phe (NM_001321815.1); c.362C>T, p.Ser121Phe (NM_001321817.2); short protein forms S240F, S202F, S121F.
Identifiers: ClinVar variation 4575318 (VCV004575318.1).
Genomic context (GRCh38, chr14:67,887,167, plus strand): 5'-TTGATGCACAACTTCAAGGCAATCTCAAAGAAAGAAACAAGTTCTTGGCAAGAGAGGCAT[C>T]CTCCTTGAAGTATTTGGCTGAGGAGTTTTCAATCCCAGTAAGTTTTTCTTTTTTTCTCTT-3'
Protein context (NP_598194.1, residues 230-250): ERNKFLAREA[Ser240Phe]SLKYLAEEFS